The following is an entry in ClinVar:

NM_025137.4(SPG11):c.4G>A (p.Ala2Thr)

Gene: SPG11 (SPG11 vesicle trafficking associated, spatacsin; minus strand). Cytogenetic location: 15q21.1.
Variant type: single nucleotide variant.
Coding change: c.4G>A on transcript NM_025137.4 (MANE Select); coding-DNA position 4, G replaced by A.
Protein change: p.Ala2Thr; replaces alanine 2 with threonine.
Molecular consequence: missense variant.
Genome position (GRCh38, 1-based): chr15:44,663,644, C>T on the plus strand (G>A on the coding strand, the complement: SPG11 is on the minus strand). VCF-style: chr15-44663644-C-T. GRCh37 (hg19) VCF-style: chr15-44955842-C-T.
Other names: c.4G>A, p.Ala2Thr (NM_001160227.2); short protein forms A2T.
Identifiers: ClinVar variation 582992 (VCV000582992.8), dbSNP rs1566838999, ClinGen allele CA392238957.

ClinVar aggregate classification (germline): Uncertain significance (1 of 4 stars; one submission).

Conditions:
Hereditary spastic paraplegia 11. Also called: Spastic paraplegia, mental retardation and thin corpus callosum; SPASTIC PARAPLEGIA, AUTOSOMAL RECESSIVE, COMPLICATED, WITH THIN CORPUS CALLOSUM; SPASTIC PARAPLEGIA, AUTOSOMAL RECESSIVE, WITH MENTAL IMPAIRMENT AND THIN CORPUS CALLOSUM; Spastic Paraplegia 11; Nakamura Osame syndrome; Autosomal recessive hereditary spastic paraplegia, mental impairment, and thin corpus callosum. Identifiers: Orphanet 2822, MedGen C1858479, MONDO:0011445, OMIM 604360.

Submission:

Labcorp Genetics (formerly Invitae), Labcorp
Classification: Uncertain significance for Hereditary spastic paraplegia 11. Last evaluated: 2018-02-01. Review status: criteria provided, single submitter. Criteria: Invitae Variant Classification Sherloc (09022015). Collection method: clinical testing. Allele origin: germline.
Comment: In summary, the available evidence is currently insufficient to determine the role of this variant in disease. Therefore, it has been classified as a Variant of Uncertain Significance. Algorithms developed to predict the effect of missense changes on protein structure and function output the following: SIFT: "Tolerated"; PolyPhen-2: "Possibly Damaging; Align-GVGD: "Class C0". The threonine amino acid residue is found in multiple mammalian species, suggesting that this missense change does not adversely affect protein function. These predictions have not been confirmed by published functional studies and their clinical significance is uncertain. This variant has not been reported in the literature in individuals with SPG11-related disease. This variant is not present in population databases (ExAC no frequency). This sequence change replaces alanine with threonine at codon 2 of the SPG11 protein (p.Ala2Thr). The alanine residue is moderately conserved and there is a small physicochemical difference between alanine and threonine.